The following is an entry in ClinVar:

ClinVar aggregate classification (germline): Uncertain significance. Review status: criteria provided, multiple submitters, no conflicts (2 of 4 stars). 3 submissions from 3 submitters: Uncertain significance (3). Last evaluated 2025-11-26.

Conditions:
Neuropathy, hereditary sensory and autonomic, type 2A (HSAN2A). Also called: ACROOSTEOLYSIS, GIACCAI TYPE; ACROOSTEOLYSIS, NEUROGENIC; WNK1-Related HSAN2 (HSAN2A); HSAN IIA; MORVAN DISEASE; NEUROPATHY, CONGENITAL SENSORY. Identifiers: Orphanet 970, MedGen C2752089, MONDO:0024309, OMIM 201300.
Pseudohypoaldosteronism type 2C (PHA2C). Also called: Pseudohypoaldosteronism Type IIC. Identifiers: Orphanet 757, Orphanet 88940, MedGen C1840391, MONDO:0013778, OMIM 614492.
Inborn genetic diseases. Identifiers: MedGen C0950123, MeSH D030342.
WNK1-related disorder. Also called: WNK1-related condition.

Allele frequency attached by ClinVar (database versions not stated): gnomAD exomes below 0.00001 and 0.00005; gnomAD 0.00003; TOPMed 0.00003.
gnomAD v4.1: 79 of 1,614,058 alleles (0.0049%); highest among the groups gnomAD compares: Non-Finnish European, 0.0066%; no homozygotes.

Submissions (3):

PreventionGenetics, part of Exact Sciences
Classification: Uncertain significance for WNK1-related condition. Last evaluated: 2025-11-26. Review status: criteria provided, single submitter. Criteria: ACMG Guidelines, 2015. Collection method: clinical testing. Allele origin: germline.
Comment: The WNK1 c.3623G>T variant is predicted to result in the amino acid substitution p.Ser1208Ile. To our knowledge, this variant has not been reported in the literature. This variant is reported in 0.00077% of alleles in individuals of European (non-Finnish) descent in gnomAD. At this time, the clinical significance of this variant is uncertain due to the absence of conclusive functional and genetic evidence.

Labcorp Genetics (formerly Invitae), Labcorp
Classification: Uncertain significance for Neuropathy, hereditary sensory and autonomic, type 2A; Pseudohypoaldosteronism type 2C. Last evaluated: 2025-08-09. Review status: criteria provided, single submitter. Criteria: Invitae Variant Classification Sherloc (09022015). Collection method: clinical testing. Allele origin: germline.
Comment: This sequence change replaces serine, which is neutral and polar, with isoleucine, which is neutral and non-polar, at codon 1460 of the WNK1 protein (p.Ser1460Ile). This variant is present in population databases (no rsID available, gnomAD 0.007%). This variant has not been reported in the literature in individuals affected with WNK1-related conditions. ClinVar contains an entry for this variant (Variation ID: 538519). Invitae Evidence Modeling of protein sequence and biophysical properties (such as structural, functional, and spatial information, amino acid conservation, physicochemical variation, residue mobility, and thermodynamic stability) indicates that this missense variant is not expected to disrupt WNK1 protein function with a negative predictive value of 95%. In summary, the available evidence is currently insufficient to determine the role of this variant in disease. Therefore, it has been classified as a Variant of Uncertain Significance.

Ambry Genetics
Classification: Uncertain significance for Inborn genetic diseases. Last evaluated: 2022-04-12. Review status: criteria provided, single submitter. Criteria: Ambry Variant Classification Scheme 2023. Collection method: clinical testing. Allele origin: germline.
Comment: The p.S1460I variant (also known as c.4379G>T), located in coding exon 16 of the WNK1 gene, results from a G to T substitution at nucleotide position 4379. The serine at codon 1460 is replaced by isoleucine, an amino acid with dissimilar properties. This amino acid position is well conserved in available vertebrate species. In addition, this alteration is predicted to be tolerated by in silico analysis. Since supporting evidence is limited at this time, the clinical significance of this alteration remains unclear.

NM_018979.4(WNK1):c.3623G>T (p.Ser1208Ile)

Gene: WNK1 (WNK lysine deficient protein kinase 1; plus strand). Cytogenetic location: 12p13.33.
Variant type: single nucleotide variant.
Coding change: c.3623G>T on transcript NM_018979.4 (MANE Select); coding-DNA position 3623, G replaced by T.
Protein change: p.Ser1208Ile; replaces serine 1208 with isoleucine.
Molecular consequence: missense variant.
Genome position (GRCh38, 1-based): chr12:883,528, G>T. VCF-style: chr12-883528-G-T. GRCh37 (hg19) VCF-style: chr12-992694-G-T.
Other names: c.4403G>T, p.Ser1468Ile (NM_001184985.2); c.2882G>T, p.Ser961Ile (NM_014823.3); c.4379G>T, p.Ser1460Ile (NM_213655.5); short protein forms S1208I, S1460I, S1468I, S961I.
Identifiers: ClinVar variation 538519 (VCV000538519.13), dbSNP rs972194980, ClinGen allele CA231478408.
Genomic context (GRCh38, chr12:883,528, plus strand): 5'-CTGATGAAATGCTCAGTGAGGATGTCAGTGTGGAACCAGAGGGTGATCAGGGATTGGAGA[G>T]TCTACAAGGAAAGGATGACTATGGCTTTTCAGGTTCTCAGGTAGGTTCACCACTCCCATA-3'
Protein context (NP_061852.3, residues 1198-1218): VEPEGDQGLE[Ser1208Ile]LQGKDDYGFS